The following is an entry in ClinVar:

ClinVar aggregate classification (germline): Likely benign. Review status: reviewed by expert panel (3 of 4 stars). 3 submissions from 3 submitters: Likely benign (1). 2 of the submissions do not count toward it. Last evaluated 2017-06-29.

Conditions:
Hereditary breast ovarian cancer syndrome. Also called: Hereditary breast and ovarian cancer syndrome (HBOC); BRCA1- and BRCA2-Associated Hereditary Breast and Ovarian Cancer; Hereditary breast and/or ovarian cancer syndrome; Hereditary breast and ovarian cancer syndrome; Hereditary breast and ovarian cancer; Breast and ovarian cancer. Identifiers: Orphanet 145, MedGen C0677776, MeSH D061325, MONDO:0003582. Disease mechanism: loss of function.
Hereditary cancer-predisposing syndrome. Also called: Neoplastic Syndromes, Hereditary; Hereditary neoplastic syndrome; Tumor predisposition; Hereditary Cancer Syndrome. Identifiers: Orphanet 140162, MedGen C0027672, MeSH D009386, MONDO:0015356.
Breast-ovarian cancer, familial, susceptibility to, 1 (BROVCA1). Also called: BRCA1 Hereditary Breast and Ovarian Cancer; OVARIAN CANCER, SUSCEPTIBILITY TO. Identifiers: Orphanet 145, MedGen C2676676, MONDO:0011450, OMIM 604370. Disease mechanism: loss of function.

Allele frequency attached by ClinVar (database versions not stated): gnomAD exomes 0.00001; ExAC 0.00002.
gnomAD v4.1: 6 of 1,613,988 alleles (0.00037%); no homozygotes.

Submissions (3):

Evidence-based Network for the Interpretation of Germline Mutant Alleles (ENIGMA)
Classification: Likely benign for Breast-ovarian cancer, familial, susceptibility to, 1. Last evaluated: 2017-06-29. Review status: reviewed by expert panel. Criteria: ENIGMA BRCA1/2 Classification Criteria (2017-06-29). Collection method: curation. Allele origin: germline.
Comment: Synonymous substitution variant, with low bioinformatic likelihood to result in a splicing aberration (Splicing prior probability 0.02).

Labcorp Genetics (formerly Invitae), Labcorp
Classification: Likely benign for Hereditary breast ovarian cancer syndrome. Last evaluated: 2024-06-03. Review status: criteria provided, single submitter. Criteria: Invitae Variant Classification Sherloc (09022015). Collection method: clinical testing. Allele origin: germline. Not counted in ClinVar's aggregate classification.

Ambry Genetics
Classification: Likely benign for Hereditary cancer-predisposing syndrome. Last evaluated: 2023-03-05. Review status: criteria provided, single submitter. Criteria: Ambry Variant Classification Scheme 2023. Collection method: clinical testing. Allele origin: germline. Not counted in ClinVar's aggregate classification.

NM_007294.4(BRCA1):c.2154T>G (p.Leu718=)

Gene: BRCA1 (BRCA1 DNA repair associated; minus strand). Cytogenetic location: 17q21.31.
Variant type: single nucleotide variant.
Coding change: c.2154T>G on transcript NM_007294.4 (MANE Select); coding-DNA position 2154, T replaced by G.
Protein change: p.Leu718=; no amino-acid change (leucine 718 retained).
Molecular consequence: synonymous variant. On other transcripts: intron variant (137).
Genome position (GRCh38, 1-based): chr17:43,093,377, A>C on the plus strand (T>G on the coding strand, the complement: BRCA1 is on the minus strand). VCF-style: chr17-43093377-A-C. GRCh37 (hg19) VCF-style: chr17-41245394-A-C.
Other names: c.2031T>G, p.Leu677= (NM_001407863.1, NM_001407919.1, NM_001407937.1 and 19 more transcripts); c.1950T>G, p.Leu650= (NM_001407874.1, NM_001407875.1); c.1944T>G, p.Leu648= (NM_001407879.1, NM_001407881.1, NM_001407882.1 and 13 more transcripts); c.1941T>G, p.Leu647= (NM_001407894.1, NM_001407895.1, NM_001407896.1 and 9 more transcripts); c.1890T>G, p.Leu630= (NM_001407920.1, NM_001407921.1, NM_001407922.1 and 9 more transcripts); c.1887T>G, p.Leu629= (NM_001407930.1, NM_001407931.1, NM_001407932.1 and 2 more transcripts); c.2028T>G, p.Leu676= (NM_001407940.1, NM_001407941.1, NM_001407649.1 and 11 more transcripts); c.2013T>G, p.Leu671= (NM_001407942.1, NM_001407944.1, NM_001407945.1 and 29 more transcripts); and 41 more.
Identifiers: ClinVar variation 427293 (VCV000427293.15), dbSNP rs779227326, ClinGen allele CA058773.